The following is an entry in ClinVar:

ClinVar aggregate classification (germline): Uncertain significance (1 of 4 stars; one submission).

Conditions:
Melanoma, cutaneous malignant, susceptibility to, 5. Also called: Cutaneous malignant melanoma 5. Identifiers: Orphanet 618, MedGen C2751295, MONDO:0013133, OMIM 613099.

Submission:

Labcorp Genetics (formerly Invitae), Labcorp
Classification: Uncertain significance for Melanoma, cutaneous malignant, susceptibility to, 5. Last evaluated: 2020-07-20. Review status: criteria provided, single submitter. Criteria: Invitae Variant Classification Sherloc (09022015). Collection method: clinical testing. Allele origin: germline.
Comment: This variant is not present in population databases (ExAC no frequency). This sequence change results in a premature translational stop signal in the MC1R gene (p.Thr272Argfs*42). While this is not anticipated to result in nonsense mediated decay, it is expected to disrupt the last 46 amino acids of the MC1R protein. Experimental studies and prediction algorithms are not available or were not evaluated, and the functional significance of this variant is currently unknown. In summary, the available evidence is currently insufficient to determine the role of this variant in disease. Therefore, it has been classified as a Variant of Uncertain Significance. This variant has not been reported in the literature in individuals with MC1R-related conditions.

NM_002386.4(MC1R):c.813del (p.Thr272fs)

Gene: MC1R (melanocortin 1 receptor; plus strand). Cytogenetic location: 16q24.3.
Variant type: Deletion.
Coding change: c.813del on transcript NM_002386.4 (MANE Select); coding-DNA position 813, one base deleted (C; older notation c.813delC).
Protein change: p.Thr272fs; shifts the reading frame from threonine 272.
Molecular consequence: frameshift variant.
Genome position (GRCh38, 1-based): chr16:89,920,071, C deleted; the last of 4 consecutive C bases (chr16:89,920,068-89,920,071); deleting any one gives the same sequence. VCF-style (leftmost placement, unchanged base first): chr16-89920067-AC-A. GRCh37 (hg19) VCF-style: chr16-89986475-AC-A.
Other names: short protein forms T272fs.
Identifiers: ClinVar variation 1020358 (VCV001020358.6), dbSNP rs2045705046, ClinGen allele CA2242009808.